The following is an entry in ClinVar:

ClinVar aggregate classification (germline): Uncertain significance. Review status: criteria provided, multiple submitters, no conflicts (2 of 4 stars). 2 submissions from 2 submitters: Uncertain significance (2). Last evaluated 2025-01-26.

Conditions:
Epidermolysis bullosa simplex 5B, with muscular dystrophy (EBS5B). Also called: EPIDERMOLYSIS BULLOSA SIMPLEX AND LIMB-GIRDLE MUSCULAR DYSTROPHY; Epidermolysis bullosa simplex with muscular dystrophy. Identifiers: Orphanet 257, MedGen C2931072, MONDO:0009181, OMIM 226670.
Epidermolysis bullosa simplex, Ogna type (EBS5A). Also called: EPIDERMOLYSIS BULLOSA SIMPLEX 5A, OGNA TYPE; Pidermolysis bullosa simplex 5A, Ogna type. Identifiers: Orphanet 79401, MedGen C0432317, MONDO:0007555, OMIM 131950.
Epidermolysis bullosa simplex with nail dystrophy (EBS5D). Identifiers: MedGen C4225309, MONDO:0014661, OMIM 616487.
Autosomal recessive limb-girdle muscular dystrophy type 2Q (LGMDR17). Also called: MUSCULAR DYSTROPHY, LIMB-GIRDLE, AUTOSOMAL RECESSIVE 17. Identifiers: Orphanet 254361, MedGen C3150989, MONDO:0013390, OMIM 613723.
Epidermolysis bullosa simplex 5C, with pyloric atresia (EBS5C). Also called: Epidermolysis bullosa simplex with pyloric atresia; PLEC-Related Epidermolysis Bullosa with Pyloric Atresia; PLEC1-Related Epidermolysis Bullosa with Pyloric Atresia. Identifiers: Orphanet 158684, MedGen C2677349, MONDO:0012807, OMIM 612138.
Inborn genetic diseases. Identifiers: MedGen C0950123, MeSH D030342.

Allele frequency attached by ClinVar (database versions not stated): ExAC 0.00001; gnomAD exomes 0.00001; gnomAD 0.00003 and 0.00004; TOPMed 0.00005.
gnomAD v4.1: 21 of 1,602,894 alleles (0.0013%); highest among the groups gnomAD compares: East Asian, 0.0067%; no homozygotes.

Submissions (2):

Ambry Genetics
Classification: Uncertain significance for Inborn genetic diseases. Last evaluated: 2025-01-26. Review status: criteria provided, single submitter. Criteria: Ambry Variant Classification Scheme 2023. Collection method: clinical testing. Allele origin: germline.

Labcorp Genetics (formerly Invitae), Labcorp
Classification: Uncertain significance for Autosomal recessive limb-girdle muscular dystrophy type 2Q; Epidermolysis bullosa simplex, Ogna type; Epidermolysis bullosa simplex with nail dystrophy; Epidermolysis bullosa simplex 5C, with pyloric atresia; Epidermolysis bullosa simplex 5B, with muscular dystrophy. Last evaluated: 2022-05-06. Review status: criteria provided, single submitter. Criteria: Invitae Variant Classification Sherloc (09022015). Collection method: clinical testing. Allele origin: germline.
Comment: In summary, the available evidence is currently insufficient to determine the role of this variant in disease. Therefore, it has been classified as a Variant of Uncertain Significance. Algorithms developed to predict the effect of missense changes on protein structure and function (SIFT, PolyPhen-2, Align-GVGD) all suggest that this variant is likely to be disruptive. This variant has not been reported in the literature in individuals affected with PLEC-related conditions. The frequency data for this variant in the population databases is considered unreliable, as metrics indicate poor data quality at this position in the gnomAD database. This sequence change replaces arginine, which is basic and polar, with cysteine, which is neutral and slightly polar, at codon 3403 of the PLEC protein (p.Arg3403Cys).

NM_201384.3(PLEC):c.10126C>T (p.Arg3376Cys)

Gene: PLEC (plectin; minus strand). Cytogenetic location: 8q24.3.
Variant type: single nucleotide variant.
Coding change: c.10126C>T on transcript NM_201384.3 (MANE Select); coding-DNA position 10126, C replaced by T.
Protein change: p.Arg3376Cys; replaces arginine 3376 with cysteine.
Molecular consequence: missense variant.
Genome position (GRCh38, 1-based): chr8:143,919,695, G>A on the plus strand (C>T on the coding strand, the complement: PLEC is on the minus strand). VCF-style: chr8-143919695-G-A. GRCh37 (hg19) VCF-style: chr8-144993863-G-A.
Other names: c.10207C>T (NM_000445.3); c.10207C>T, p.Arg3403Cys (NM_000445.5); c.10084C>T, p.Arg3362Cys (NM_201378.4); c.10060C>T, p.Arg3354Cys (NM_201379.3); c.10537C>T, p.Arg3513Cys (NM_201380.4); c.10030C>T, p.Arg3344Cys (NM_201381.3); c.10126C>T, p.Arg3376Cys (NM_201382.4); c.10138C>T, p.Arg3380Cys (NM_201383.3); short protein forms R3362C, R3403C, R3344C, R3376C, R3513C, R3354C, R3380C.
Identifiers: ClinVar variation 1412487 (VCV001412487.9), dbSNP rs782455932, ClinGen allele CA4924745.
Genomic context (GRCh38, chr8:143,919,695, plus strand): 5'-CAGTGGCCGCCTGCGCCTCCAGCAGGAGCGCAGCCGTTGTGGCTCTCAGCAGGCCCCGGC[G>A]CATGGCCTCGTAGATGGACACCTTCTCCTTGGTGTCCTCCAGGTAGATGCCGGCGAGGCA-3'
Protein context (NP_958786.1, residues 3366-3386): KEKVSIYEAM[Arg3376Cys]RGLLRATTAA